The following is an entry in ClinVar:

NM_007294.4(BRCA1):c.2487dup (p.Lys830Ter)

Gene: BRCA1 (BRCA1 DNA repair associated; minus strand). Cytogenetic location: 17q21.31.
Variant type: Duplication.
Coding change: c.2487dup on transcript NM_007294.4 (MANE Select); coding-DNA position 2487, one base duplicated (T; older notation c.2487dupT).
Protein change: p.Lys830Ter; replaces lysine 830 with a stop codon.
Molecular consequence: nonsense. On other transcripts: frameshift variant (1), intron variant (137).
Genome position (GRCh38, 1-based): chr17:43,093,044, A duplicated on the plus strand (T on the coding strand, the reverse complement: BRCA1 is on the minus strand); the first of 3 consecutive A bases (chr17:43,093,044-43,093,046); duplicating any one gives the same sequence. VCF-style (leftmost placement, unchanged base first): chr17-43093043-T-TA. GRCh37 (hg19) VCF-style: chr17-41245060-T-TA.
Other names: 2606insT-ter830; c.2487dupT (NM_007294.3); c.2274dup, p.Lys759Ter (NM_001407571.1, NM_001407853.1, NM_001407894.1 and 9 more transcripts); c.2487dup, p.Lys830Ter (NM_001407581.1, NM_001407582.1, NM_001407583.1 and 30 more transcripts); c.2484dup, p.Lys829Ter (NM_001407587.1, NM_001407590.1, NM_001407591.1 and 22 more transcripts); c.2478dup, p.Lys827Ter (NM_001407646.1, NM_001407647.1); c.2364dup, p.Lys789Ter (NM_001407648.1, NM_001407664.1, NM_001407665.1 and 19 more transcripts); c.2361dup, p.Lys788Ter (NM_001407649.1, NM_001407670.1, NM_001407671.1 and 11 more transcripts); and 43 more; short protein forms K830*, K783*, K718*, K741*, K763*, K760*, K789*, K829*.
Identifiers: ClinVar variation 54585 (VCV000054585.11), dbSNP rs80357658, ClinGen allele CA327816.
Genomic context (GRCh38, chr17:43,093,043, plus strand): 5'-TTTCTTCCATTTCTATGCTTGTTTCCCGACTGTGGTTAACTTCATGTCCCAATGGATACT[T>TA]AAAGCCTTCTGTGTCATTTCTATTATCTTTGGAACAACCATGAATTAGTCCCTTGGGGTT-3'

ClinVar aggregate classification (germline): Pathogenic. Review status: reviewed by expert panel (3 of 4 stars). 5 submissions from 5 submitters: Pathogenic (1). 4 of the submissions do not count toward it. Last evaluated 2016-10-18.

Conditions:
Hereditary cancer-predisposing syndrome. Also called: Tumor predisposition; Neoplastic Syndromes, Hereditary; Hereditary Cancer Syndrome; Hereditary neoplastic syndrome. Identifiers: Orphanet 140162, MedGen C0027672, MeSH D009386, MONDO:0015356.
Hereditary breast ovarian cancer syndrome. Also called: Hereditary breast and ovarian cancer syndrome (HBOC); Hereditary breast and ovarian cancer syndrome; Hereditary breast and ovarian cancer; Hereditary breast and/or ovarian cancer syndrome; Breast and ovarian cancer; BRCA1- and BRCA2-Associated Hereditary Breast and Ovarian Cancer. Identifiers: Orphanet 145, MedGen C0677776, MeSH D061325, MONDO:0003582. Disease mechanism: loss of function.
Breast-ovarian cancer, familial, susceptibility to, 1 (BROVCA1). Also called: OVARIAN CANCER, SUSCEPTIBILITY TO; BRCA1 Hereditary Breast and Ovarian Cancer. Identifiers: Orphanet 145, MedGen C2676676, MONDO:0011450, OMIM 604370. Disease mechanism: loss of function.

Submissions (5):

Evidence-based Network for the Interpretation of Germline Mutant Alleles (ENIGMA)
Classification: Pathogenic for Breast-ovarian cancer, familial, susceptibility to, 1. Last evaluated: 2016-10-18. Review status: reviewed by expert panel. Criteria: ENIGMA BRCA1/2 Classification Criteria (2015). Collection method: curation. Allele origin: germline.
Comment: Variant allele predicted to encode a truncated non-functional protein.

Labcorp Genetics (formerly Invitae), Labcorp
Classification: Pathogenic for Hereditary breast ovarian cancer syndrome. Last evaluated: 2023-07-07. Review status: criteria provided, single submitter. Criteria: Invitae Variant Classification Sherloc (09022015). Collection method: clinical testing. Allele origin: germline. Not counted in ClinVar's aggregate classification.
Comment: For these reasons, this variant has been classified as Pathogenic. ClinVar contains an entry for this variant (Variation ID: 54585). This variant is also known as c.2606insT. This premature translational stop signal has been observed in individual(s) with breast and/or ovarian cancer (PMID: 15340362). This variant is not present in population databases (gnomAD no frequency). This sequence change creates a premature translational stop signal (p.Lys830*) in the BRCA1 gene. It is expected to result in an absent or disrupted protein product. Loss-of-function variants in BRCA1 are known to be pathogenic (PMID: 20104584).

Color Diagnostics, LLC DBA Color Health
Classification: Pathogenic for Hereditary cancer-predisposing syndrome. Last evaluated: 2022-05-31. Review status: criteria provided, single submitter. Criteria: ACMG Guidelines, 2015. Collection method: clinical testing. Allele origin: germline. Not counted in ClinVar's aggregate classification.
Comment: This variant inserts 1 nucleotide in exon 10 of the BRCA1 gene, creating a frameshift and premature translation stop signal. This variant is expected to result in an absent or non-functional protein product. This variant has been identified in 8 families among the CIMBA participants (PMID: 29446198). This variant has not been identified in the general population by the Genome Aggregation Database (gnomAD). Loss of BRCA1 function is a known mechanism of disease. Based on the available evidence, this variant is classified as Pathogenic.

Consortium of Investigators of Modifiers of BRCA1/2 (CIMBA), c/o University of Cambridge
Classification: Pathogenic for Breast-ovarian cancer, familial, susceptibility to, 1. Last evaluated: 2015-10-02. Review status: criteria provided, single submitter. Criteria: CIMBA Mutation Classification guidelines May 2016. Collection method: clinical testing. Allele origin: germline. Not counted in ClinVar's aggregate classification.

Research Molecular Genetics Laboratory, Women's College Hospital, University of Toronto
Classification: Pathogenic for Hereditary breast ovarian cancer syndrome. Last evaluated: 2014-01-31. Review status: no assertion criteria provided. Collection method: research. Allele origin: germline. Affected: yes. Study: The Canadian Open Genetics Repository (COGR). Not counted in ClinVar's aggregate classification.

Literature cited by the submitters: PubMed 15340362 (cited by Labcorp Genetics (formerly Invitae), Labcorp); PubMed 20104584 (cited by Labcorp Genetics (formerly Invitae), Labcorp); PubMed 29446198 (cited by Color Diagnostics, LLC DBA Color Health).